The following is an entry in ClinVar:

NM_006306.4(SMC1A):c.2353G>T (p.Gly785Cys)

Gene: SMC1A (structural maintenance of chromosomes 1A; minus strand). Cytogenetic location: Xp11.22.
Variant type: single nucleotide variant.
Coding change: c.2353G>T on transcript NM_006306.4 (MANE Select); coding-DNA position 2353, G replaced by T.
Protein change: p.Gly785Cys; replaces glycine 785 with cysteine.
Molecular consequence: missense variant.
Genome position (GRCh38, 1-based): chrX:53,403,633, C>A on the plus strand (G>T on the coding strand, the complement: SMC1A is on the minus strand). VCF-style: chrX-53403633-C-A. GRCh37 (hg19) VCF-style: chrX-53430565-C-A.
Other names: c.2287G>T, p.Gly763Cys (NM_001281463.1); short protein forms G763C, G785C.
Identifiers: ClinVar variation 2660608 (VCV002660608.26), dbSNP rs1226562040, ClinGen allele CA413251044.
Genomic context (GRCh38, chrX:53,403,633, plus strand): 5'-TGGCGATTTCATTCTGCCGTTTCACCTTTTCTTCCTCAAACTCCCGGATGTTGCGCACAC[C>A]AATCTCCCGACAAAACTCTTCAAACACCTCATCCTCTACCTGAGAAGAGAAGCCAGGGAG-3'
Protein context (NP_006297.2, residues 775-795): EVFEEFCREI[Gly785Cys]VRNIREFEEE

ClinVar aggregate classification (germline): Uncertain significance. Review status: criteria provided, multiple submitters, no conflicts (2 of 4 stars). 2 submissions from 2 submitters: Uncertain significance (2). Last evaluated 2024-12-06.

Conditions:
Congenital muscular hypertrophy-cerebral syndrome (CDLS2). Also called: Cornelia de Lange syndrome 2; SMC1A-Related Cornelia de Lange Syndrome. Identifiers: Orphanet 199, MedGen C1802395, MONDO:0010370, OMIM 300590.

Allele frequency attached by ClinVar (database versions not stated): TOPMed below 0.00001.

Submissions (2):

Labcorp Genetics (formerly Invitae), Labcorp
Classification: Uncertain significance for Congenital muscular hypertrophy-cerebral syndrome. Last evaluated: 2024-12-06. Review status: criteria provided, single submitter. Criteria: Invitae Variant Classification Sherloc (09022015). Collection method: clinical testing. Allele origin: germline.
Comment: This sequence change replaces glycine, which is neutral and non-polar, with cysteine, which is neutral and slightly polar, at codon 785 of the SMC1A protein (p.Gly785Cys). This variant is not present in population databases (gnomAD no frequency). This variant has not been reported in the literature in individuals affected with SMC1A-related conditions. ClinVar contains an entry for this variant (Variation ID: 2660608). Invitae Evidence Modeling of protein sequence and biophysical properties (such as structural, functional, and spatial information, amino acid conservation, physicochemical variation, residue mobility, and thermodynamic stability) indicates that this missense variant is expected to disrupt SMC1A protein function with a positive predictive value of 95%. In summary, the available evidence is currently insufficient to determine the role of this variant in disease. Therefore, it has been classified as a Variant of Uncertain Significance.

CeGaT Center for Human Genetics Tuebingen
Classification: Uncertain significance. Last evaluated: 2022-05-01. Review status: criteria provided, single submitter. Criteria: CeGaT Center For Human Genetics Tuebingen Variant Classification Criteria Version 2. Collection method: clinical testing. Allele origin: germline. Affected: yes. Observed: 1 variant allele.
Comment: SMC1A: PM2, PP2, PP3